The following is an entry in ClinVar:

NM_002335.4(LRP5):c.4769G>A (p.Cys1590Tyr)

Gene: LRP5 (LDL receptor related protein 5; plus strand). Cytogenetic location: 11q13.2.
Variant type: single nucleotide variant.
Coding change: c.4769G>A on transcript NM_002335.4 (MANE Select); coding-DNA position 4769, G replaced by A.
Protein change: p.Cys1590Tyr; replaces cysteine 1590 with tyrosine.
Molecular consequence: missense variant.
Genome position (GRCh38, 1-based): chr11:68,448,991, G>A. VCF-style: chr11-68448991-G-A. GRCh37 (hg19) VCF-style: chr11-68216459-G-A.
Other names: c.3026G>A, p.Cys1009Tyr (NM_001291902.2); short protein forms C1009Y, C1590Y.
Identifiers: ClinVar variation 1482257 (VCV001482257.8), dbSNP rs760407382, ClinGen allele CA381618594.

ClinVar aggregate classification (germline): Uncertain significance (1 of 4 stars; one submission).

Allele frequency attached by ClinVar (database versions not stated): gnomAD 0.00001.

Submission:

Labcorp Genetics (formerly Invitae), Labcorp
Classification: Uncertain significance. Last evaluated: 2024-10-18. Review status: criteria provided, single submitter. Criteria: Invitae Variant Classification Sherloc (09022015). Collection method: clinical testing. Allele origin: germline.
Comment: This sequence change replaces cysteine, which is neutral and slightly polar, with tyrosine, which is neutral and polar, at codon 1590 of the LRP5 protein (p.Cys1590Tyr). This variant is not present in population databases (gnomAD no frequency). This variant has not been reported in the literature in individuals affected with LRP5-related conditions. ClinVar contains an entry for this variant (Variation ID: 1482257). An algorithm developed to predict the effect of missense changes on protein structure and function outputs the following: PolyPhen-2: "Probably Damaging". The tyrosine amino acid residue is found in multiple mammalian species, which suggests that this missense change does not adversely affect protein function. In summary, the available evidence is currently insufficient to determine the role of this variant in disease. Therefore, it has been classified as a Variant of Uncertain Significance.